The following is an entry in ClinVar:

ClinVar aggregate classification (germline): Pathogenic (1 of 4 stars; one submission).

Submission:

GeneDx
Classification: Pathogenic. Last evaluated: 2024-01-26. Review status: criteria provided, single submitter. Criteria: GeneDx Variant Classification Process June 2021. Collection method: clinical testing. Allele origin: germline. Affected: yes.
Comment: Published functional studies demonstrate a damaging effect with reduction of protein expression and decrease in POMC activation (PMID: 32492392); Nonsense variant predicted to result in protein truncation or nonsense mediated decay in a gene for which loss of function is a known mechanism of disease; Not observed at significant frequency in large population cohorts (gnomAD); This variant is associated with the following publications: (PMID: 35982159, 32492392)

NM_017934.7(PHIP):c.748C>T (p.Arg250Ter)

Gene: PHIP (PHIP subunit of CUL4-Ring ligase complex; minus strand). Cytogenetic location: 6q14.1.
Variant type: single nucleotide variant.
Coding change: c.748C>T on transcript NM_017934.7 (MANE Select); coding-DNA position 748, C replaced by T.
Protein change: p.Arg250Ter; replaces arginine 250 with a stop codon.
Molecular consequence: nonsense.
Genome position (GRCh38, 1-based): chr6:79,026,017, G>A on the plus strand (C>T on the coding strand, the complement: PHIP is on the minus strand). VCF-style: chr6-79026017-G-A. GRCh37 (hg19) VCF-style: chr6-79735734-G-A.
Other names: short protein forms R250*.
Identifiers: ClinVar variation 1708636 (VCV001708636.3), dbSNP rs1034722602, ClinGen allele CA364639776.